The following is an entry in ClinVar:

ClinVar aggregate classification (germline): Benign/Likely benign. Review status: criteria provided, multiple submitters, no conflicts (2 of 4 stars). 6 submissions from 6 submitters: Benign (4); Likely benign (2). Last evaluated 2026-03-23.

Conditions:
Inborn genetic diseases. Identifiers: MedGen C0950123, MeSH D030342.
Proline dehydrogenase deficiency (HYRPRO1). Also called: Hyperprolinemia type 1; PROLINE OXIDASE DEFICIENCY. Identifiers: Orphanet 419, MedGen C0268529, MONDO:0009400, OMIM 239500.

Allele frequency attached by ClinVar (database versions not stated): gnomAD exomes 0.10410; 1000 Genomes Project 0.13758; gnomAD 0.14238; ExAC 0.14476.

Submissions (6):

Ambry Genetics
Classification: Likely benign for Inborn genetic diseases. Last evaluated: 2026-03-23. Review status: criteria provided, single submitter. Criteria: Ambry Variant Classification Scheme 2023. Collection method: clinical testing. Allele origin: germline.

Labcorp Genetics (formerly Invitae), Labcorp
Classification: Benign for Proline dehydrogenase deficiency. Last evaluated: 2026-02-03. Review status: criteria provided, single submitter. Criteria: Invitae Variant Classification Sherloc (09022015). Collection method: clinical testing. Allele origin: germline.

Blueprint Genetics
Classification: Likely benign. Last evaluated: 2024-11-28. Review status: criteria provided, single submitter. Criteria: ACMG Guidelines, 2015. Collection method: clinical testing. Allele origin: germline.

GeneDx
Classification: Benign. Last evaluated: 2021-06-10. Review status: criteria provided, single submitter. Criteria: GeneDx Variant Classification Process June 2021. Collection method: clinical testing. Allele origin: germline. Affected: yes.
Comment: This variant is associated with the following publications: (PMID: 20524212)

Eurofins Ntd Llc (ga)
Classification: Benign. Last evaluated: 2015-09-14. Review status: criteria provided, single submitter. Criteria: EGL Classification Definitions 2015. Collection method: clinical testing. Allele origin: germline. Observed: 2 variant alleles, 1 heterozygote, 1 homozygote.

Breakthrough Genomics
Classification: Benign. Review status: criteria provided, single submitter. Criteria: ACMG Guidelines, 2015. Collection method: not provided. Allele origin: germline. Inheritance: Autosomal dominant inheritance. Affected: yes.

NM_016335.6(PRODH):c.88C>T (p.Pro30Ser)

Gene: PRODH (proline dehydrogenase 1; minus strand). Cytogenetic location: 22q11.21.
Variant type: single nucleotide variant.
Coding change: c.88C>T on transcript NM_016335.6 (MANE Select); coding-DNA position 88, C replaced by T.
Protein change: p.Pro30Ser; replaces proline 30 with serine.
Molecular consequence: missense variant. On other transcripts: intron variant (1).
Genome position (GRCh38, 1-based): chr22:18,936,200, G>A on the plus strand (C>T on the coding strand, the complement: PRODH is on the minus strand). VCF-style: chr22-18936200-G-A. GRCh37 (hg19) VCF-style: chr22-18923713-G-A.
Other names: c.-52+190C>T (NM_001195226.2); short protein forms P30S.
Identifiers: ClinVar variation 281129 (VCV000281129.18), dbSNP rs3815655, ClinGen allele CA10095503.